The following is an entry in ClinVar:

NM_001142966.3(GREB1L):c.3040G>C (p.Gly1014Arg)

Gene: GREB1L (GREB1 like retinoic acid receptor coactivator; plus strand). Cytogenetic location: 18q11.1.
Variant type: single nucleotide variant.
Coding change: c.3040G>C on transcript NM_001142966.3 (MANE Select); coding-DNA position 3040, G replaced by C.
Protein change: p.Gly1014Arg; replaces glycine 1014 with arginine.
Molecular consequence: missense variant.
Genome position (GRCh38, 1-based): chr18:21,495,679, G>C. VCF-style: chr18-21495679-G-C. GRCh37 (hg19) VCF-style: chr18-19075640-G-C.
Other names: c.3169G>C, p.Gly1057Arg (NM_001410867.1); c.2713G>C, p.Gly905Arg (NM_001410868.1); short protein forms G1014R, G905R, G1057R.
Identifiers: ClinVar variation 4055906 (VCV004055906.1).

ClinVar aggregate classification (germline): Uncertain significance (1 of 4 stars; one submission).

Submission:

GeneDx
Classification: Uncertain significance. Last evaluated: 2024-12-31. Review status: criteria provided, single submitter. Criteria: GeneDx Variant Classification Process June 2021. Collection method: clinical testing. Allele origin: germline. Affected: yes.
Comment: Not observed at significant frequency in large population cohorts (gnomAD); In silico analysis indicates that this missense variant does not alter protein structure/function; Has not been previously published as pathogenic or benign to our knowledge